The following is an entry in ClinVar:

NM_005422.4(TECTA):c.2256C>T (p.Ile752=)

Genes: TBCEL-TECTA (TBCEL-TECTA readthrough; plus strand), TECTA (tectorin alpha; plus strand). Cytogenetic location: 11q23.3.
Variant type: single nucleotide variant.
Coding change: c.2256C>T on transcript NM_005422.4 (MANE Select); coding-DNA position 2256, C replaced by T.
Protein change: p.Ile752=; no amino-acid change (isoleucine 752 retained).
Molecular consequence: synonymous variant.
Genome position (GRCh38, 1-based): chr11:121,128,233, C>T. VCF-style: chr11-121128233-C-T. GRCh37 (hg19) VCF-style: chr11-120998942-C-T.
Other names: p.Ile752=; c.3213C>T, p.Ile1071= (NM_001378761.1).
Identifiers: ClinVar variation 45319 (VCV000045319.31), dbSNP rs10502247, ClinGen allele CA136028.

ClinVar aggregate classification (germline): Benign. Review status: criteria provided, multiple submitters, no conflicts (2 of 4 stars). 13 submissions from 11 submitters: Benign (11). 2 of the submissions do not count toward it. Last evaluated 2026-02-03.

Conditions:
Autosomal recessive nonsyndromic hearing loss 21. Identifiers: Orphanet 90636, MedGen C1863655, MONDO:0011351, OMIM 603629.
Autosomal dominant nonsyndromic hearing loss 12. Also called: DEAFNESS, AUTOSOMAL DOMINANT 8. Identifiers: Orphanet 90635, MedGen C1832187, MONDO:0011102, OMIM 601543.

Allele frequency attached by ClinVar (database versions not stated): ESP Exome Variant Server 0.25738; gnomAD 0.25910 and 0.26588; TOPMed 0.26211; 1000 Genomes Project 30x 0.30231; gnomAD exomes 0.30688; ExAC 0.30875; 1000 Genomes Project 0.31030.
gnomAD v4.1: 460,659 of 1,601,288 alleles (29%); highest among the groups gnomAD compares: East Asian, 41%; 68,439 homozygotes.

Submissions (13):

Labcorp Genetics (formerly Invitae), Labcorp
Classification: Benign. Last evaluated: 2026-02-03. Review status: criteria provided, single submitter. Criteria: Invitae Variant Classification Sherloc (09022015). Collection method: clinical testing. Allele origin: germline.

Genome-Nilou Lab
Classification: Benign for Autosomal dominant nonsyndromic hearing loss 12. Last evaluated: 2021-09-10. Review status: criteria provided, single submitter. Criteria: ACMG Guidelines, 2015. Collection method: clinical testing. Allele origin: germline. Affected: no.

Genome-Nilou Lab
Classification: Benign for Autosomal recessive nonsyndromic hearing loss 21. Last evaluated: 2021-09-10. Review status: criteria provided, single submitter. Criteria: ACMG Guidelines, 2015. Collection method: clinical testing. Allele origin: germline. Affected: no.

Mayo Clinic Laboratories, Mayo Clinic
Classification: Benign. Last evaluated: 2020-07-02. Review status: criteria provided, single submitter. Criteria: ACMG Guidelines, 2015. Collection method: clinical testing. Allele origin: germline. Observed: 70 variant alleles.

Illumina Laboratory Services, Illumina
Classification: Benign for Autosomal dominant nonsyndromic hearing loss 12. Last evaluated: 2018-01-13. Review status: criteria provided, single submitter. Criteria: ICSL Variant Classification Criteria 13 December 2019. Collection method: clinical testing. Allele origin: germline.
Comment: This variant was observed in the ICSL laboratory as part of a predisposition screen in an ostensibly healthy population. It had not been previously curated by ICSL or reported in the Human Gene Mutation Database (HGMD: prior to June 1st, 2018), and was therefore a candidate for classification through an automated scoring system. Utilizing variant allele frequency, disease prevalence and penetrance estimates, and inheritance mode, an automated score was calculated to assess if this variant is too frequent to cause the disease. Based on the score and internal cut-off values, a variant classified as benign is not then subjected to further curation. The score for this variant resulted in a classification of benign for this disease.

Illumina Laboratory Services, Illumina
Classification: Benign for Autosomal recessive nonsyndromic hearing loss 21. Last evaluated: 2018-01-13. Review status: criteria provided, single submitter. Criteria: ICSL Variant Classification Criteria 13 December 2019. Collection method: clinical testing. Allele origin: germline.
Comment: the same text as in the submission from Illumina Laboratory Services, Illumina above.

GeneDx
Classification: Benign. Last evaluated: 2017-05-09. Review status: criteria provided, single submitter. Criteria: GeneDx Variant Classification (06012015). Collection method: clinical testing. Allele origin: germline. Affected: yes.
Comment: This variant is considered likely benign or benign based on one or more of the following criteria: it is a conservative change, it occurs at a poorly conserved position in the protein, it is predicted to be benign by multiple in silico algorithms, and/or has population frequency not consistent with disease.

Eurofins Ntd Llc (ga)
Classification: Benign. Last evaluated: 2017-02-27. Review status: criteria provided, single submitter. Criteria: EGL Classification Definitions 2015. Collection method: clinical testing. Allele origin: germline. Observed: 2 variant alleles, 1 heterozygote, 1 homozygote.

Laboratory for Molecular Medicine, Mass General Brigham Personalized Medicine
Classification: Benign. Last evaluated: 2012-05-07. Review status: criteria provided, single submitter. Criteria: LMM Criteria. Collection method: clinical testing. Allele origin: germline. Observed: 814 variant alleles.
Comment: "Ile752Ile in Exon 08 of TECTA: This variant is not expected to have clinical si gnificance because it does not alter an amino acid residue, is not located withi n the splice consensus sequence, and has been identified in 28.8% (2021/7020) of European American chromosomes from a broad population by the NHLBI Exome Sequen cing Project (dbSNP rs10502247)."

Breakthrough Genomics
Classification: Benign. Review status: criteria provided, single submitter. Criteria: ACMG Guidelines, 2015. Collection method: not provided. Allele origin: germline. Inheritance: Autosomal recessive inheritance. Affected: yes.

PreventionGenetics, part of Exact Sciences
Classification: Benign. Review status: criteria provided, single submitter. Criteria: ACMG Guidelines, 2015. Collection method: clinical testing. Allele origin: germline.

Diagnostic Laboratory, Department of Genetics, University Medical Center Groningen
Classification: Benign. Review status: no assertion criteria provided. Collection method: clinical testing. Allele origin: germline. Affected: yes. Study: VKGL Data-share Consensus. Not counted in ClinVar's aggregate classification.

Joint Genome Diagnostic Labs from Nijmegen and Maastricht, Radboudumc and MUMC+
Classification: Benign. Review status: no assertion criteria provided. Collection method: clinical testing. Allele origin: germline. Affected: yes. Study: VKGL Data-share Consensus. Not counted in ClinVar's aggregate classification.